The following is an entry in ClinVar:

ClinVar aggregate classification (germline): Pathogenic. Review status: criteria provided, multiple submitters, no conflicts (2 of 4 stars). 4 submissions from 4 submitters: Pathogenic (4). Last evaluated 2025-08-18.

Conditions:
Familial hypokalemia-hypomagnesemia (GTLMNS). Also called: HYPOMAGNESEMIA-HYPOKALEMIA, PRIMARY RENOTUBULAR, WITH HYPOCALCIURIA; gitelman syndrome; POTASSIUM AND MAGNESIUM DEPLETION. Identifiers: Orphanet 358, MedGen C0268450, MONDO:0009904, OMIM 263800.

Submissions (4):

Natera, Inc.
Classification: Pathogenic for Gitelman syndrome. Last evaluated: 2025-08-18. Review status: criteria provided, single submitter. Criteria: Natera Variant Classification Schema (03/2026). Collection method: clinical testing. Allele origin: germline.
Comment: The c.965-1_976delGCGGACATTTTTGinsACCGAAAATTTT variant in SLC12A3 is a canonical splice acceptor site variant predicted to affect pre-mRNA splicing, which may result in an abnormal transcript and altered protein product. This variant is expected to result in nonsense mediated decay, truncation, or a dysfunctional protein product. This variant is rare in the general population with a frequency below the threshold expected for the associated phenotype(s). This variant has been observed in one or more individuals affected with the associated recessive disease, as either homozygous or compound heterozygous with a second variant (PMID: 33996672). Given the available evidence, this variant is classified as Pathogenic.

Labcorp Genetics (formerly Invitae), Labcorp
Classification: Pathogenic. Last evaluated: 2025-04-22. Review status: criteria provided, single submitter. Criteria: Invitae Variant Classification Sherloc (09022015). Collection method: clinical testing. Allele origin: germline.
Comment: This variant results in the deletion of part of exon 8 (c.965-1_976delinsACCGAAAATTTT) of the SLC12A3 gene. RNA analysis indicates that this variant induces altered splicing and likely results in a shortened protein product. This variant is not present in population databases (gnomAD no frequency). This variant has been observed in individual(s) with Gitelman syndrome (PMID: 18580052, 28162179). In at least one individual the data is consistent with being in trans (on the opposite chromosome) from a pathogenic variant. This variant is also known as "c.965-1_969delGCGGACinsACCGAAA & c.976_977delGT" and "Intron 7–1 G>A & Ex8 nt +1 to +12 delCGGACATTTTTGinsCCGAAAATTTT". ClinVar contains an entry for this variant (Variation ID: 651227). Studies have shown that this variant results in skipping of skipping of exons 7 and 8, but is expected to preserve the integrity of the reading-frame (PMID: 18580052). For these reasons, this variant has been classified as Pathogenic.

Fulgent Genetics
Classification: Pathogenic for Familial hypokalemia-hypomagnesemia. Last evaluated: 2024-04-18. Review status: criteria provided, single submitter. Criteria: ACMG Guidelines, 2015. Collection method: clinical testing. Allele origin: germline.

Juno Genomics, Hangzhou Juno Genomics, Inc
Classification: Pathogenic for Familial hypokalemia-hypomagnesemia. Review status: criteria provided, single submitter. Criteria: ACMG Guidelines, 2015. Collection method: clinical testing. Allele origin: germline.
Comment: Absent from controls (or at extremely low frequency if recessive) in Genome Aggregation Database.;Null variant in a gene where loss of function (LOF) is a known mechanism of disease.;For recessive disorders, detected in trans with a pathogenic variant.;Co-segregation with disease in multiple affected family members.;Patient's phenotype or family history is highly specific for a disease with a single genetic etiology.

Literature cited by the submitters: PubMed 33996672 (cited by Natera, Inc.); PubMed 18580052 (cited by Labcorp Genetics (formerly Invitae), Labcorp); PubMed 28162179 (cited by Labcorp Genetics (formerly Invitae), Labcorp).

NM_001126108.2(SLC12A3):c.965-1_976delinsACCGAAAATTTT

Gene: SLC12A3 (solute carrier family 12 member 3; plus strand). Cytogenetic location: 16q13.
Variant type: Indel.
Coding change: c.965-1_976delinsACCGAAAATTTT on transcript NM_001126108.2 (MANE Select); the canonical splice acceptor site of the intron before coding-DNA position 965 through coding-DNA position 976, GCGGACATTTTTG replaced by ACCGAAAATTTT.
Molecular consequence: splice acceptor variant.
Genome position (GRCh38, 1-based): chr16:56,872,655-56,872,667, GCGGACATTTTTG replaced by ACCGAAAATTTT. VCF-style: chr16-56872655-GCGGACATTTTTG-ACCGAAAATTTT. GRCh37 (hg19) VCF-style: chr16-56906567-GCGGACATTTTTG-ACCGAAAATTTT.
Other names: c.965-1_976delGCGGACATTTTTGinsACCGAAAATTTT (NM_000339.2); c.965-1_976delinsACCGAAAATTTT (NM_000339.3); c.962-1_973delinsACCGAAAATTTT (NM_001126107.2, NM_001410896.1).
Identifiers: ClinVar variation 3382416 (VCV003382416.8).